The following is an entry in ClinVar:

ClinVar aggregate classification (germline): Uncertain significance (1 of 4 stars; one submission).

Allele frequency attached by ClinVar (database versions not stated): gnomAD exomes 0.00001.
gnomAD v4.1: 21 of 1,614,044 alleles (0.0013%); highest among the groups gnomAD compares: Non-Finnish European, 0.0018%; no homozygotes.

Submission:

Labcorp Genetics (formerly Invitae), Labcorp
Classification: Uncertain significance. Last evaluated: 2023-11-18. Review status: criteria provided, single submitter. Criteria: Invitae Variant Classification Sherloc (09022015). Collection method: clinical testing. Allele origin: germline.
Comment: This sequence change falls in intron 3 of the EMC1 gene. It does not directly change the encoded amino acid sequence of the EMC1 protein. It affects a nucleotide within the consensus splice site. This variant is not present in population databases (gnomAD no frequency). This variant has not been reported in the literature in individuals affected with EMC1-related conditions. ClinVar contains an entry for this variant (Variation ID: 1898171). Variants that disrupt the consensus splice site are a relatively common cause of aberrant splicing (PMID: 17576681, 9536098). Algorithms developed to predict the effect of sequence changes on RNA splicing suggest that this variant may disrupt the consensus splice site. In summary, the available evidence is currently insufficient to determine the role of this variant in disease. Therefore, it has been classified as a Variant of Uncertain Significance.

Literature cited by the submitters: PubMed 17576681; PubMed 9536098.

NM_015047.3(EMC1):c.286+4A>G

Gene: EMC1 (ER membrane protein complex subunit 1; minus strand). Cytogenetic location: 1p36.13.
Variant type: single nucleotide variant.
Coding change: c.286+4A>G on transcript NM_015047.3 (MANE Select); 4 bases into the intron after coding-DNA position 286, A replaced by G.
Molecular consequence: intron variant.
Genome position (GRCh38, 1-based): chr1:19,243,946, T>C on the plus strand (A>G on the coding strand, the complement: EMC1 is on the minus strand). VCF-style: chr1-19243946-T-C. GRCh37 (hg19) VCF-style: chr1-19570440-T-C.
Other names: c.221-239A>G (NM_001271429.2); c.286+4A>G (NM_001271427.2, NM_001375821.1, NM_001271428.2 and 1 more transcripts).
Identifiers: ClinVar variation 1898171 (VCV001898171.5), dbSNP rs755447062, ClinGen allele CA18824067.
Genomic context (GRCh38, chr1:19,243,946, plus strand): 5'-AAGGAGCCAAGGAATGGGACAGGGAGCTGGCCGCACAATGGAGACACGGGAGGACTCTGC[T>C]TACCCTGTCCGTGCAGCAGCATGGCATCCACAGCCCCTTCTGCCGTGCCCTTGTCAACAT-3'